The following is an entry in ClinVar:

ClinVar aggregate classification (germline): Benign/Likely benign. Review status: criteria provided, multiple submitters, no conflicts (2 of 4 stars). 4 submissions from 4 submitters: Benign (2); Likely benign (1). 1 of the submissions does not count toward it. Last evaluated 2025-10-19.

Conditions:
MAMLD1-related disorder. Also called: MAMLD1-related condition.

Allele frequency attached by ClinVar (database versions not stated): 1000 Genomes Project 0.00053; 1000 Genomes Project 30x 0.00062; TOPMed 0.00243; gnomAD 0.00261 and 0.00265; gnomAD exomes 0.00273 and 0.00432; ESP Exome Variant Server 0.00312; ExAC 0.00351.
gnomAD v4.1: 4,976 of 1,209,604 alleles (0.41%); highest among the groups gnomAD compares: Non-Finnish European, 0.51%; 13 homozygotes.

Submissions (4):

Labcorp Genetics (formerly Invitae), Labcorp
Classification: Benign. Last evaluated: 2025-10-19. Review status: criteria provided, single submitter. Criteria: Invitae Variant Classification Sherloc (09022015). Collection method: clinical testing. Allele origin: germline.

Blueprint Genetics
Classification: Likely benign. Last evaluated: 2024-11-25. Review status: criteria provided, single submitter. Criteria: ACMG Guidelines, 2015. Collection method: clinical testing. Allele origin: germline.

Breakthrough Genomics
Classification: Benign. Review status: criteria provided, single submitter. Criteria: ACMG Guidelines, 2015. Collection method: not provided. Allele origin: germline. Inheritance: X-linked inheritance. Affected: yes.

PreventionGenetics, part of Exact Sciences
Classification: Likely benign for MAMLD1-related condition. Last evaluated: 2019-03-20. Review status: no assertion criteria provided. Collection method: clinical testing. Allele origin: germline. Not counted in ClinVar's aggregate classification.
Comment: This variant is classified as likely benign based on ACMG/AMP sequence variant interpretation guidelines (Richards et al. 2015 PMID: 25741868, with internal and published modifications).

NM_005491.5(MAMLD1):c.2220C>A (p.Gly740=)

Gene: MAMLD1 (mastermind like domain containing 1; plus strand). Cytogenetic location: Xq28.
Variant type: single nucleotide variant.
Coding change: c.2220C>A on transcript NM_005491.5 (MANE Select); coding-DNA position 2220, C replaced by A.
Protein change: p.Gly740=; no amino-acid change (glycine 740 retained).
Molecular consequence: synonymous variant. On other transcripts: intron variant (2).
Genome position (GRCh38, 1-based): chrX:150,503,453, C>A. VCF-style: chrX-150503453-C-A. GRCh37 (hg19) VCF-style: chrX-149671723-C-A.
Other names: c.2145C>A, p.Gly715= (NM_001177466.3); c.2097C>A, p.Gly699= (NM_001400513.1); c.2022C>A, p.Gly674= (NM_001400514.1); c.2220C>A, p.Gly740= (NM_001400515.1); c.1918-6509C>A (NM_001400512.1); c.1843-6509C>A (NM_001177465.3).
Identifiers: ClinVar variation 775471 (VCV000775471.14), dbSNP rs139460988, ClinGen allele CA10538934.